The following is an entry in ClinVar:

NM_000053.4(ATP7B):c.3086C>T (p.Thr1029Ile)

Gene: ATP7B (ATPase copper transporting beta; minus strand). Cytogenetic location: 13q14.3.
Variant type: single nucleotide variant.
Coding change: c.3086C>T on transcript NM_000053.4 (MANE Select); coding-DNA position 3086, C replaced by T.
Protein change: p.Thr1029Ile; replaces threonine 1029 with isoleucine.
Molecular consequence: missense variant.
Genome position (GRCh38, 1-based): chr13:51,944,266, G>A on the plus strand (C>T on the coding strand, the complement: ATP7B is on the minus strand). VCF-style: chr13-51944266-G-A. GRCh37 (hg19) VCF-style: chr13-52518402-G-A.
Other names: c.2465C>T, p.Thr822Ile (NM_001005918.3); c.2753C>T, p.Thr918Ile (NM_001243182.2); c.2852C>T, p.Thr951Ile (NM_001330578.2); c.2834C>T, p.Thr945Ile (NM_001330579.2); short protein forms T1029I, T822I, T918I, T945I, T951I.
Identifiers: ClinVar variation 556435 (VCV000556435.11), dbSNP rs1555286628, ClinGen allele CA388030555.

ClinVar aggregate classification (germline): Pathogenic. Review status: criteria provided, multiple submitters, no conflicts (2 of 4 stars). 4 submissions from 4 submitters: Pathogenic (3). 1 of the submissions does not count toward it. Last evaluated 2025-07-15.

Conditions:
Wilson disease (WND). Also called: Wilson's disease. Identifiers: Orphanet 905, MedGen C0019202, MONDO:0010200, OMIM 277900. Disease mechanism: loss of function.

Allele frequency attached by ClinVar (database versions not stated): gnomAD exomes below 0.00001.
gnomAD v4.1: 3 of 1,614,074 alleles (0.00019%); highest among the groups gnomAD compares: East Asian, 0.0045%; no homozygotes.

Submissions (4):

Natera, Inc.
Classification: Pathogenic for Wilson disease. Last evaluated: 2025-07-15. Review status: criteria provided, single submitter. Criteria: Natera Variant Classification Schema (03/2026). Collection method: clinical testing. Allele origin: germline.
Comment: The c.3086C>T variant in ATP7B is a missense variant predicted to cause substitution of threonine to isoleucine at amino acid 1029. This variant is rare in the general population with a frequency below the threshold expected for the associated phenotype(s). This variant has been observed in one or more individuals affected with the associated recessive disease, as either homozygous or compound heterozygous with a second variant (PMID: 21645214, 29930488, 25130000, 33640437). Additionally, this variant has been observed to segregate in affected family members (PMID: 29930488). Computational prediction algorithms indicate this variant is likely to affect gene or protein function. Given the available evidence, this variant is classified as Pathogenic.

Baylor Genetics
Classification: Pathogenic for Wilson disease. Last evaluated: 2023-10-22. Review status: criteria provided, single submitter. Criteria: ACMG Guidelines, 2015. Collection method: clinical testing. Allele origin: unknown.

Labcorp Genetics (formerly Invitae), Labcorp
Classification: Pathogenic for Wilson disease. Last evaluated: 2023-03-14. Review status: criteria provided, single submitter. Criteria: Invitae Variant Classification Sherloc (09022015). Collection method: clinical testing. Allele origin: germline.
Comment: This missense change has been observed in individual(s) with Wilson disease (PMID: 10453196, 29930488). For these reasons, this variant has been classified as Pathogenic. Experimental studies have shown that this missense change affects ATP7B function (PMID: 17587212). Advanced modeling of protein sequence and biophysical properties (such as structural, functional, and spatial information, amino acid conservation, physicochemical variation, residue mobility, and thermodynamic stability) performed at Invitae indicates that this missense variant is expected to disrupt ATP7B protein function. ClinVar contains an entry for this variant (Variation ID: 556435). This variant is also known as Thr1030Ile. This variant is not present in population databases (gnomAD no frequency). This sequence change replaces threonine, which is neutral and polar, with isoleucine, which is neutral and non-polar, at codon 1029 of the ATP7B protein (p.Thr1029Ile).

Counsyl
Classification: Likely pathogenic for Wilson disease. Last evaluated: 2018-02-05. Review status: no assertion criteria provided. Collection method: clinical testing. Allele origin: unknown. Not counted in ClinVar's aggregate classification.

Literature cited by the submitters: PubMed 21645214 (cited by Natera, Inc. and Counsyl); PubMed 29930488 (cited by Natera, Inc. and Labcorp Genetics (formerly Invitae), Labcorp); PubMed 25130000 (cited by Natera, Inc. and Counsyl); PubMed 33640437 (cited by Natera, Inc.); PubMed 10453196 (cited by Labcorp Genetics (formerly Invitae), Labcorp and Counsyl); PubMed 17587212 (cited by Labcorp Genetics (formerly Invitae), Labcorp and Counsyl); PubMed 22692182 (cited by Counsyl); PubMed 24253677 (cited by Counsyl); PubMed 16998287 (cited by Counsyl); PubMed 22170460 (cited by Counsyl); PubMed 9654149 (cited by Counsyl).